The following is an entry in ClinVar:

ClinVar aggregate classification (germline): Uncertain significance. Review status: criteria provided, multiple submitters, no conflicts (2 of 4 stars). 2 submissions from 2 submitters: Uncertain significance (2). Last evaluated 2024-05-28.

Submissions (2):

Blueprint Genetics
Classification: Uncertain significance. Last evaluated: 2024-05-28. Review status: criteria provided, single submitter. Criteria: ACMG Guidelines, 2015. Collection method: clinical testing. Allele origin: germline.

GeneDx
Classification: Uncertain significance. Last evaluated: 2023-10-31. Review status: criteria provided, single submitter. Criteria: GeneDx Variant Classification Process June 2021. Collection method: clinical testing. Allele origin: germline. Affected: yes.
Comment: Not observed at significant frequency in large population cohorts (gnomAD); Nonsense variant predicted to result in protein truncation or nonsense mediated decay in a gene or region of a gene for which loss of function is not a well-established mechanism of disease; Has not been previously published as pathogenic or benign to our knowledge.

NM_015874.6(RBPJ):c.541C>T (p.Arg181Ter)

Gene: RBPJ (recombination signal binding protein for immunoglobulin kappa J region; plus strand). Cytogenetic location: 4p15.2.
Variant type: single nucleotide variant.
Coding change: c.541C>T on transcript NM_015874.6 (MANE Select); coding-DNA position 541, C replaced by T.
Protein change: p.Arg181Ter; replaces arginine 181 with a stop codon.
Molecular consequence: nonsense.
Genome position (GRCh38, 1-based): chr4:26,424,386, C>T. VCF-style: chr4-26424386-C-T. GRCh37 (hg19) VCF-style: chr4-26426008-C-T.
Other names: c.475C>T, p.Arg159Ter (NM_001363577.2, NM_203283.5); c.580C>T, p.Arg194Ter (NM_001374400.1, NM_001379408.1, NM_005349.4); c.538C>T, p.Arg180Ter (NM_001374401.1, NM_001374402.1, NM_001374403.1 and 3 more transcripts); c.535C>T, p.Arg179Ter (NM_001379409.1); short protein forms R159*, R179*, R180*, R181*, R194*.
Identifiers: ClinVar variation 3363483 (VCV003363483.2).